The following is an entry in ClinVar:

NM_015662.3(IFT172):c.2839A>G (p.Met947Val)

Gene: IFT172 (intraflagellar transport 172; minus strand). Cytogenetic location: 2p23.3.
Variant type: single nucleotide variant.
Coding change: c.2839A>G on transcript NM_015662.3 (MANE Select); coding-DNA position 2839, A replaced by G.
Protein change: p.Met947Val; replaces methionine 947 with valine.
Molecular consequence: missense variant.
Genome position (GRCh38, 1-based): chr2:27,458,817, T>C on the plus strand (A>G on the coding strand, the complement: IFT172 is on the minus strand). VCF-style: chr2-27458817-T-C. GRCh37 (hg19) VCF-style: chr2-27681684-T-C.
Other names: short protein forms M947V.
Identifiers: ClinVar variation 941837 (VCV000941837.7), dbSNP rs774401568, ClinGen allele CA1580170.

ClinVar aggregate classification (germline): Uncertain significance. Review status: criteria provided, multiple submitters, no conflicts (2 of 4 stars). 2 submissions from 2 submitters: Uncertain significance (2). Last evaluated 2022-05-17.

Conditions:
Short-rib thoracic dysplasia 10 with or without polydactyly (SRTD10). Identifiers: Orphanet 474, MedGen C3810175, MONDO:0014284, OMIM 615630.
Retinitis pigmentosa 71 (RP71). Identifiers: Orphanet 791, MedGen C4225342, MONDO:0014618, OMIM 616394.
Bardet-Biedl syndrome 20. Identifiers: MedGen C4310707, MONDO:0023670, OMIM 619471, MONDO:0014926.

Allele frequency attached by ClinVar (database versions not stated): gnomAD exomes below 0.00001; ExAC 0.00001; gnomAD 0.00001; TOPMed 0.00001.
gnomAD v4.1: 2 of 1,614,054 alleles (0.00012%); highest among the groups gnomAD compares: African/African-American, 0.0013%; no homozygotes.

Submissions (2):

Fulgent Genetics
Classification: Uncertain significance for Short-rib thoracic dysplasia 10 with or without polydactyly; Retinitis pigmentosa 71; Bardet-Biedl syndrome 20. Last evaluated: 2022-05-17. Review status: criteria provided, single submitter. Criteria: ACMG Guidelines, 2015. Collection method: clinical testing. Allele origin: unknown.

Labcorp Genetics (formerly Invitae), Labcorp
Classification: Uncertain significance for Retinitis pigmentosa 71; Short-rib thoracic dysplasia 10 with or without polydactyly. Last evaluated: 2022-02-05. Review status: criteria provided, single submitter. Criteria: Invitae Variant Classification Sherloc (09022015). Collection method: clinical testing. Allele origin: germline.
Comment: This sequence change replaces methionine, which is neutral and non-polar, with valine, which is neutral and non-polar, at codon 947 of the IFT172 protein (p.Met947Val). This variant is present in population databases (rs774401568, gnomAD 0.0009%). This variant has not been reported in the literature in individuals affected with IFT172-related conditions. ClinVar contains an entry for this variant (Variation ID: 941837). Algorithms developed to predict the effect of missense changes on protein structure and function are either unavailable or do not agree on the potential impact of this missense change (SIFT: "Deleterious"; PolyPhen-2: "Possibly Damaging"; Align-GVGD: "Class C0"). In summary, the available evidence is currently insufficient to determine the role of this variant in disease. Therefore, it has been classified as a Variant of Uncertain Significance.